The following is an entry in ClinVar:

NM_015295.3(SMCHD1):c.1822A>G (p.Ile608Val)

Gene: SMCHD1 (structural maintenance of chromosomes flexible hinge domain containing 1; plus strand). Cytogenetic location: 18p11.32.
Variant type: single nucleotide variant.
Coding change: c.1822A>G on transcript NM_015295.3 (MANE Select); coding-DNA position 1822, A replaced by G.
Protein change: p.Ile608Val; replaces isoleucine 608 with valine.
Molecular consequence: missense variant.
Genome position (GRCh38, 1-based): chr18:2,703,866, A>G. VCF-style: chr18-2703866-A-G. GRCh37 (hg19) VCF-style: chr18-2703864-A-G.
Other names: short protein forms I608V.
Identifiers: ClinVar variation 3674234 (VCV003674234.2).

ClinVar aggregate classification (germline): Uncertain significance (1 of 4 stars; one submission).

Conditions:
Facioscapulohumeral muscular dystrophy 2 (FSHD2). Also called: MUSCULAR DYSTROPHY, FACIOSCAPULOHUMERAL, TYPE 1B; FACIOSCAPULOHUMERAL MUSCULAR DYSTROPHY 2, DIGENIC; FSHD2, DIGENIC. Identifiers: Orphanet 269, MedGen C1834671, MONDO:0008031, OMIM 158901.

Submission:

Labcorp Genetics (formerly Invitae), Labcorp
Classification: Uncertain significance for Facioscapulohumeral muscular dystrophy 2. Last evaluated: 2024-09-17. Review status: criteria provided, single submitter. Criteria: Invitae Variant Classification Sherloc (09022015). Collection method: clinical testing. Allele origin: germline.
Comment: This sequence change replaces isoleucine, which is neutral and non-polar, with valine, which is neutral and non-polar, at codon 608 of the SMCHD1 protein (p.Ile608Val). This variant is not present in population databases (gnomAD no frequency). This variant has not been reported in the literature in individuals affected with SMCHD1-related conditions. Invitae Evidence Modeling of protein sequence and biophysical properties (such as structural, functional, and spatial information, amino acid conservation, physicochemical variation, residue mobility, and thermodynamic stability) indicates that this missense variant is not expected to disrupt SMCHD1 protein function with a negative predictive value of 80%. In summary, the available evidence is currently insufficient to determine the role of this variant in disease. Therefore, it has been classified as a Variant of Uncertain Significance.